The following is an entry in ClinVar:

ClinVar aggregate classification (germline): Uncertain significance (1 of 4 stars; one submission).

Conditions:
Early-infantile DEE. Also called: Early infantile epileptic encephalopathy; Ohtahara syndrome; Early infantile epileptic encephalopathy with suppression bursts. Identifiers: Orphanet 1934, MedGen C0393706, MONDO:0800491.

Submission:

Labcorp Genetics (formerly Invitae), Labcorp
Classification: Uncertain significance for Early-infantile DEE. Last evaluated: 2025-04-28. Review status: criteria provided, single submitter. Criteria: Invitae Variant Classification Sherloc (09022015). Collection method: clinical testing. Allele origin: germline.
Comment: This sequence change replaces valine, which is neutral and non-polar, with alanine, which is neutral and non-polar, at codon 907 of the SCN1A protein (p.Val907Ala). This variant is not present in population databases (gnomAD no frequency). This variant has not been reported in the literature in individuals affected with SCN1A-related conditions. ClinVar contains an entry for this variant (Variation ID: 3634041). Invitae Evidence Modeling of protein sequence and biophysical properties (such as structural, functional, and spatial information, amino acid conservation, physicochemical variation, residue mobility, and thermodynamic stability) indicates that this missense variant is expected to disrupt SCN1A protein function with a positive predictive value of 95%. In summary, the available evidence is currently insufficient to determine the role of this variant in disease. Therefore, it has been classified as a Variant of Uncertain Significance.

NM_001165963.4(SCN1A):c.2720T>C (p.Val907Ala)

Gene: SCN1A (sodium voltage-gated channel alpha subunit 1; minus strand). Cytogenetic location: 2q24.3.
Variant type: single nucleotide variant.
Coding change: c.2720T>C on transcript NM_001165963.4 (MANE Select); coding-DNA position 2720, T replaced by C.
Protein change: p.Val907Ala; replaces valine 907 with alanine.
Molecular consequence: missense variant. On other transcripts: non-coding transcript variant (1).
Genome position (GRCh38, 1-based): chr2:166,038,002, A>G on the plus strand (T>C on the coding strand, the complement: SCN1A is on the minus strand). VCF-style: chr2-166038002-A-G. GRCh37 (hg19) VCF-style: chr2-166894512-A-G.
Other names: c.2636T>C, p.Val879Ala (NM_001165964.3, NM_001353957.2, NM_001353958.2); c.2720T>C, p.Val907Ala (NM_001202435.3, NM_001353948.2); c.2687T>C, p.Val896Ala (NM_001353949.2, NM_001353950.2, NM_001353951.2 and 2 more transcripts); c.2684T>C, p.Val895Ala (NM_001353954.2, NM_001353955.2); c.2633T>C, p.Val878Ala (NM_001353960.2); c.278T>C, p.Val93Ala (NM_001353961.2); short protein forms V878A, V896A, V879A, V907A, V895A, V93A.
Identifiers: ClinVar variation 3634041 (VCV003634041.2).